The following is an entry in ClinVar:

NM_001378615.1(CC2D2A):c.1197C>A (p.Asp399Glu)

Genes: CC2D2A (coiled-coil and C2 domain containing 2A; plus strand), FBXL5 (F-box and leucine rich repeat protein 5; minus strand). Cytogenetic location: 4p15.32.
Variant type: single nucleotide variant.
Coding change: c.1197C>A on transcript NM_001378615.1 (MANE Select); coding-DNA position 1197, C replaced by A.
Protein change: p.Asp399Glu; replaces aspartic acid 399 with glutamic acid.
Molecular consequence: missense variant.
Genome position (GRCh38, 1-based): chr4:15,527,494, C>A. VCF-style: chr4-15527494-C-A. GRCh37 (hg19) VCF-style: chr4-15529117-C-A.
Other names: c.1197C>A, p.Asp399Glu (NM_001080522.2); c.1050C>A, p.Asp350Glu (NM_001378617.1); short protein forms D350E, D399E.
Identifiers: ClinVar variation 1056290 (VCV001056290.7), dbSNP rs1019784141, ClinGen allele CA92524364.
Genomic context (GRCh38, chr4:15,527,494, plus strand): 5'-CTTTCCTTGGCAGGCTGTAAAATACGTTCACAGTAGTCAGCATGTGATCAGATCTGGAGA[C>A]CCTCCTGGAAATTTCCAACTGGACATTGATATTTCAGGGTTAATCTTCACTCATCATCCC-3'
Protein context (NP_001365544.1, residues 389-409): HSSQHVIRSG[Asp399Glu]PPGNFQLDID

ClinVar aggregate classification (germline): Uncertain significance. Review status: criteria provided, multiple submitters, no conflicts (2 of 4 stars). 2 submissions from 2 submitters: Uncertain significance (2). Last evaluated 2024-02-20.

Conditions:
COACH syndrome 2. Identifiers: MedGen C5436837, MONDO:0030859, OMIM 619111.
Meckel syndrome, type 6. Identifiers: Orphanet 564, MedGen C2676790, MONDO:0012848, OMIM 612284.
Joubert syndrome 9 (JBTS9). Identifiers: Orphanet 2318, MedGen C2676788, MONDO:0012849, OMIM 612285.
Retinitis pigmentosa 93. Identifiers: MedGen C5676970, MONDO:0030797, OMIM 619845.
Joubert syndrome. Also called: JOUBERT-BOLTSHAUSER SYNDROME; Familial aplasia of the vermis. Identifiers: Orphanet 475, MedGen C5979921, MONDO:0018772.
Meckel-Gruber syndrome. Also called: Dysencephalia splachnocystica; DYSENCEPHALIA SPLANCHNOCYSTICA; GRUBER SYNDROME. Identifiers: Orphanet 564, MedGen C0265215, MONDO:0018921.

Allele frequency attached by ClinVar (database versions not stated): gnomAD 0.00001; gnomAD exomes 0.00001; TOPMed 0.00002.
gnomAD v4.1: 14 of 1,613,496 alleles (0.00087%); highest among the groups gnomAD compares: Admixed American, 0.0017%; no homozygotes.

Submissions (2):

Fulgent Genetics
Classification: Uncertain significance for Meckel syndrome, type 6; Joubert syndrome 9; COACH syndrome 2; Retinitis pigmentosa 93. Last evaluated: 2024-02-20. Review status: criteria provided, single submitter. Criteria: ACMG Guidelines, 2015. Collection method: clinical testing. Allele origin: germline.

Labcorp Genetics (formerly Invitae), Labcorp
Classification: Uncertain significance for Joubert syndrome; Meckel-Gruber syndrome. Last evaluated: 2022-06-13. Review status: criteria provided, single submitter. Criteria: Invitae Variant Classification Sherloc (09022015). Collection method: clinical testing. Allele origin: germline.
Comment: This sequence change replaces aspartic acid, which is acidic and polar, with glutamic acid, which is acidic and polar, at codon 399 of the CC2D2A protein (p.Asp399Glu). The frequency data for this variant in the population databases is considered unreliable, as metrics indicate poor data quality at this position in the gnomAD database. This variant has not been reported in the literature in individuals affected with CC2D2A-related conditions. ClinVar contains an entry for this variant (Variation ID: 1056290). Advanced modeling of protein sequence and biophysical properties (such as structural, functional, and spatial information, amino acid conservation, physicochemical variation, residue mobility, and thermodynamic stability) performed at Invitae indicates that this missense variant is not expected to disrupt CC2D2A protein function. In summary, the available evidence is currently insufficient to determine the role of this variant in disease. Therefore, it has been classified as a Variant of Uncertain Significance.